The following is an entry in ClinVar:

NM_000264.5(PTCH1):c.202-217C>T

Genes: PTCH1 (patched 1; minus strand), LOC130002132 (ATAC-STARR-seq lymphoblastoid silent region 20069; plus strand). Cytogenetic location: 9q22.32.
Variant type: single nucleotide variant.
Coding change: c.202-217C>T on transcript NM_000264.5 (MANE Select); 217 bases into the intron before coding-DNA position 202, C replaced by T.
Molecular consequence: intron variant.
Genome position (GRCh38, 1-based): chr9:95,506,816, G>A on the plus strand (C>T on the coding strand, the complement: PTCH1 is on the minus strand). VCF-style: chr9-95506816-G-A. GRCh37 (hg19) VCF-style: chr9-98269098-G-A.
Other names: c.199-217C>T (NM_001083603.3); c.4-217C>T (NM_001083602.3, NM_001354919.2); c.202-217C>T (NM_001354918.2); c.-252-217C>T (NM_001083605.3, NM_001083604.3, NM_001083606.3); c.-253+121C>T (NM_001083607.3).
Identifiers: ClinVar variation 676867 (VCV000676867.2), dbSNP rs145922731, ClinGen allele CA196553684.

ClinVar aggregate classification (germline): Likely benign. Review status: criteria provided, multiple submitters, no conflicts (2 of 4 stars). 2 submissions from 2 submitters: Likely benign (2). Last evaluated 2018-06-12.

Allele frequency attached by ClinVar (database versions not stated): TOPMed 0.00752; gnomAD 0.00805 and 0.00859; 1000 Genomes Project 0.00978; 1000 Genomes Project 30x 0.00999.
gnomAD v4.1: 11,710 of 1,135,214 alleles (1%); highest among the groups gnomAD compares: Middle Eastern, 1.6%; 78 homozygotes.

Submissions (2):

GeneDx
Classification: Likely benign. Last evaluated: 2018-06-12. Review status: criteria provided, single submitter. Criteria: GeneDx Variant Classification (06012015). Collection method: clinical testing. Allele origin: germline. Affected: yes.
Comment: This variant is considered likely benign or benign based on one or more of the following criteria: it is a conservative change, it occurs at a poorly conserved position in the protein, it is predicted to be benign by multiple in silico algorithms, and/or has population frequency not consistent with disease.

Breakthrough Genomics
Classification: Likely benign. Review status: criteria provided, single submitter. Criteria: ACMG Guidelines, 2015. Collection method: not provided. Allele origin: germline. Inheritance: Autosomal dominant inheritance. Affected: yes.